The following is an entry in ClinVar:

ClinVar aggregate classification (germline): Conflicting classifications of pathogenicity. Review status: criteria provided, conflicting classifications (1 of 4 stars). 4 submissions from 4 submitters: Pathogenic (1); Uncertain significance (2). 1 of the submissions does not count toward it. Last evaluated 2024-11-05.

Conditions:
GUCY2D-related disorders.
GUCY2D-related disorder. Also called: GUCY2D-related condition.
Retinal dystrophy. Also called: Inherited retinal dystrophy. Identifiers: Orphanet 71862, MedGen C0854723, MeSH D058499, MONDO:0019118, HP:0000556.
Leber congenital amaurosis 1 (LCA1). Also called: AMAUROSIS CONGENITA OF LEBER I; Congenital absence of the rods and cones; Leber's congenital tapetoretinal degeneration; Leber's congenital tapetoretinal dysplasia; RETINAL BLINDNESS, CONGENITAL. Identifiers: Orphanet 65, MedGen C2931258, MONDO:0008764, OMIM 204000.
Cone-rod dystrophy 6 (CORD6). Also called: RETINAL CONE DYSTROPHY 2; Cone dystrophy progressive. Identifiers: Orphanet 1872, MedGen C1866293, MONDO:0011143, OMIM 601777.

Allele frequency attached by ClinVar (database versions not stated): TOPMed 0.00002; gnomAD 0.00001; gnomAD exomes 0.00002.

Submissions (4):

PreventionGenetics, part of Exact Sciences
Classification: Uncertain significance for GUCY2D-related condition. Last evaluated: 2024-11-05. Review status: criteria provided, single submitter. Criteria: ACMG Guidelines, 2015. Collection method: clinical testing. Allele origin: germline.
Comment: The GUCY2D c.380C>T variant is predicted to result in the amino acid substitution p.Pro127Leu. This variant has been reported in two individuals with GUCY2D-related retinal disease (Astuti et al. 2016. PubMed ID: 26626312; Supplementary table 1, Birtel et al. 2018. PubMed ID: 29555955). This variant is reported in 0.0091% of alleles in individuals of African descent in gnomAD. Although we suspect that this variant may be pathogenic, at this time, the clinical significance of this variant is uncertain due to the absence of conclusive functional and genetic evidence.

Labcorp Genetics (formerly Invitae), Labcorp
Classification: Uncertain significance for Leber congenital amaurosis 1; Cone-rod dystrophy 6. Last evaluated: 2022-10-20. Review status: criteria provided, single submitter. Criteria: Invitae Variant Classification Sherloc (09022015). Collection method: clinical testing. Allele origin: germline.
Comment: This sequence change replaces proline, which is neutral and non-polar, with leucine, which is neutral and non-polar, at codon 127 of the GUCY2D protein (p.Pro127Leu). The frequency data for this variant in the population databases is considered unreliable, as metrics indicate poor data quality at this position in the gnomAD database. This missense change has been observed in individuals with GUCY2D-related conditions (PMID: 26626312, 29555955). ClinVar contains an entry for this variant (Variation ID: 236436). Advanced modeling of protein sequence and biophysical properties (such as structural, functional, and spatial information, amino acid conservation, physicochemical variation, residue mobility, and thermodynamic stability) has been performed at Invitae for this missense variant, however the output from this modeling did not meet the statistical confidence thresholds required to predict the impact of this variant on GUCY2D protein function. In summary, the available evidence is currently insufficient to determine the role of this variant in disease. Therefore, it has been classified as a Variant of Uncertain Significance.

Blueprint Genetics
Classification: Pathogenic for GUCY2D-related disorders. Last evaluated: 2021-12-02. Review status: criteria provided, single submitter. Criteria: ACMG Guidelines, 2015. Collection method: clinical testing. Allele origin: germline. Affected: yes. Observed: 5 variant alleles.

Centre for Genomic Medicine, Manchester, Central Manchester University Hospitals
Classification: Uncertain significance for Retinal dystrophy. Review status: no assertion criteria provided. Collection method: clinical testing. Allele origin: germline. Affected: yes. Not counted in ClinVar's aggregate classification.

Literature cited by the submitters: PubMed 26626312 (cited by Labcorp Genetics (formerly Invitae), Labcorp); PubMed 29555955 (cited by Labcorp Genetics (formerly Invitae), Labcorp).

NM_000180.4(GUCY2D):c.380C>T (p.Pro127Leu)

Gene: GUCY2D (guanylate cyclase 2D, retinal; plus strand). Cytogenetic location: 17p13.1.
Variant type: single nucleotide variant.
Coding change: c.380C>T on transcript NM_000180.4 (MANE Select); coding-DNA position 380, C replaced by T.
Protein change: p.Pro127Leu; replaces proline 127 with leucine.
Molecular consequence: missense variant.
Genome position (GRCh38, 1-based): chr17:8,003,427, C>T. VCF-style: chr17-8003427-C-T. GRCh37 (hg19) VCF-style: chr17-7906745-C-T.
Other names: short protein forms P127L.
Identifiers: ClinVar variation 236436 (VCV000236436.6), dbSNP rs878853343, ClinGen allele CA10581703.